The following is an entry in ClinVar:

NM_000516.7(GNAS):c.718G>A (p.Asp240Asn)

Gene: GNAS (GNAS complex locus; plus strand). Cytogenetic location: 20q13.32.
Variant type: single nucleotide variant.
Coding change: c.718G>A on transcript NM_000516.7 (MANE Select); coding-DNA position 718, G replaced by A.
Protein change: p.Asp240Asn; replaces aspartic acid 240 with asparagine.
Molecular consequence: missense variant. On other transcripts: 3 prime UTR variant (2).
Genome position (GRCh38, 1-based): chr20:58,909,579, G>A. VCF-style: chr20-58909579-G-A. GRCh37 (hg19) VCF-style: chr20-57484634-G-A.
Other names: c.721G>A, p.Asp241Asn (NM_001077488.5); c.673G>A, p.Asp225Asn (NM_001077489.4); c.*579G>A (NM_001077490.3); c.541G>A, p.Asp181Asn (NM_001309840.2, NM_001309861.2, NM_001438276.1 and 1 more transcripts); c.622G>A, p.Asp208Asn (NM_001410912.1); c.2602G>A, p.Asp868Asn (NM_001410913.1); c.496G>A, p.Asp166Asn (NM_001438273.1, NM_001438274.1, NM_001438275.1); c.*624G>A (NM_016592.5); and 2 more; short protein forms D241N, D166N, D181N, D208N, D226N, D868N, D883N, D225N.
Identifiers: ClinVar variation 4985382 (VCV004985382.1).

ClinVar aggregate classification (germline): Uncertain significance (1 of 4 stars; one submission).

Conditions:
GNAS-related disorder. Identifiers: MedGen CN380105.

Submission:

PreventionGenetics, part of Exact Sciences
Classification: Uncertain significance for GNAS-related condition. Last evaluated: 2025-10-21. Review status: criteria provided, single submitter. Criteria: ACMG Guidelines, 2015. Collection method: clinical testing. Allele origin: germline.
Comment: The GNAS c.718G>A variant is predicted to result in the amino acid substitution p.Asp240Asn. This variant occurs at the last nucleotide position of exon 9 and, based on available splicing prediction programs, is predicted to significantly weaken the GT donor site and impact splicing (SpliceAI, Jaganathan et al. 2019. PubMed ID: 30661751). However, the use of computer prediction programs is not equivalent to functional evidence. To our knowledge, this variant has not been reported in individuals with GNAS-related disease or in a large population database (gnomAD), indicating it is rare. Although we suspect that this variant may be pathogenic, at this time, the clinical significance of this variant is uncertain due to the absence of conclusive functional and genetic evidence.